The following is an entry in ClinVar:

ClinVar aggregate classification (germline): Likely pathogenic (1 of 4 stars; one submission).

Submission:

Labcorp Genetics (formerly Invitae), Labcorp
Classification: Likely pathogenic. Last evaluated: 2019-07-18. Review status: criteria provided, single submitter. Criteria: Invitae Variant Classification Sherloc (09022015). Collection method: clinical testing. Allele origin: germline.
Comment: This variant results in the deletion of part of exon 3 and an insertion of 11 nucleotides (c.289_349+836delinsAAGATATGCCT) of the PHEX gene. It is expected to disrupt RNA splicing and likely results in an absent or disrupted protein product. This variant is not present in population databases (ExAC no frequency). Loss-of-function variants in PHEX are known to be pathogenic (PMID: 9097956, 9106524, 19219621). In summary, the currently available evidence indicates that the variant is pathogenic, but additional data are needed to prove that conclusively. Therefore, this variant has been classified as Likely Pathogenic.

Literature cited by the submitters: PubMed 9097956; PubMed 9106524; PubMed 19219621.

NM_000444.6(PHEX):c.289_349+836delinsAAGATATGCCT

Gene: PHEX (phosphate regulating endopeptidase X-linked; plus strand). Cytogenetic location: Xp22.11.
Variant type: Indel.
Coding change: c.289_349+836delinsAAGATATGCCT on transcript NM_000444.6 (MANE Select); coding-DNA position 289 through 836 bases into the intron after coding-DNA position 349, the reference bases replaced by AAGATATGCCT.
Molecular consequence: splice donor variant.
Genome position (GRCh38, 1-based): chrX:22,047,151-22,048,047, 897 bases replaced. GRCh37 (hg19): chrX:22,065,269-22,066,165.
Other names: c.289_349+836delinsAAGATATGCCT (NM_001282754.2).
Identifiers: ClinVar variation 965315 (VCV000965315.5), dbSNP rs1927579212, ClinGen allele CA1139667280.